The following is an entry in ClinVar:

NM_001844.5(COL2A1):c.1833+1G>A

Gene: COL2A1 (collagen type II alpha 1 chain; minus strand). Cytogenetic location: 12q13.11.
Variant type: single nucleotide variant.
Coding change: c.1833+1G>A on transcript NM_001844.5 (MANE Select); the canonical splice donor site of the intron after coding-DNA position 1833, G replaced by A.
Molecular consequence: splice donor variant.
Genome position (GRCh38, 1-based): chr12:47,984,994, C>T on the plus strand (G>A on the coding strand, the complement: COL2A1 is on the minus strand). VCF-style: chr12-47984994-C-T. GRCh37 (hg19) VCF-style: chr12-48378777-C-T.
Other names: c.1626+1G>A (NM_033150.3).
Identifiers: ClinVar variation 866602 (VCV000866602.13), dbSNP rs1939312423, ClinGen allele CA384550450.
Genomic context (GRCh38, chr12:47,984,994, plus strand): 5'-AGAGGGCAGGGAGGTAGGTAGCACCACATGGAAGGAAATAGAAGAGCAAATTATTACTTA[C>T]GTTGGCACCTTTGGGGCCAGGGAAACCCATGACACCAGGCTGCCCACGAGCCCCCTGAGG-3'

ClinVar aggregate classification (germline): Pathogenic. Review status: criteria provided, multiple submitters, no conflicts (2 of 4 stars). 5 submissions from 5 submitters: Pathogenic (5). Last evaluated 2025-11-11.

Conditions:
COL2A1-related disorder. Also called: COL2A1-related condition; COL2A1-related disorders.
Stickler syndrome type 1 (STL1). Also called: ARTHROOPHTHALMOPATHY, HEREDITARY PROGRESSIVE; STICKLER SYNDROME, MEMBRANOUS VITREOUS TYPE; STICKLER SYNDROME, VITREOUS TYPE 1; COL2A1-Related Stickler Syndrome. Identifiers: Orphanet 828, Orphanet 90653, MedGen C2020284, MONDO:0007160, OMIM 108300.

Allele frequency attached by ClinVar (database versions not stated): gnomAD exomes below 0.00001.
gnomAD v4.1: 1 of 1,613,192 alleles (0.000062%); highest among the groups gnomAD compares: Non-Finnish European, 0.000085%; no homozygotes.

Submissions (5):

PreventionGenetics, part of Exact Sciences
Classification: Pathogenic for COL2A1-related condition. Last evaluated: 2025-11-11. Review status: criteria provided, single submitter. Criteria: ACMG Guidelines, 2015. Collection method: clinical testing. Allele origin: germline.
Comment: The COL2A1 c.1833+1G>A variant is predicted to disrupt the GT donor site and interfere with normal splicing. This variant has been reported in individuals with autosomal dominant Stickler syndrome and/or early-onset high myopia (see for examples: Figure 4, Freddi et al. 2000. PubMed ID: 10706362; Table S1, Sun et al. 2015. PubMed ID: 26747767; Zhou et al. 2018. PubMed ID: 30181686; Fan et al. 2023. PubMed ID: 37822332). This variant is absent in a large population database (gnomAD), indicating this variant is rare. Variants that disrupt the consensus splice donor site in COL2A1 are an established mechanism of disease. This variant is interpreted as pathogenic.

Labcorp Genetics (formerly Invitae), Labcorp
Classification: Pathogenic. Last evaluated: 2025-07-29. Review status: criteria provided, single submitter. Criteria: Invitae Variant Classification Sherloc (09022015). Collection method: clinical testing. Allele origin: germline.
Comment: This sequence change affects a donor splice site in intron 27 of the COL2A1 gene. RNA analysis indicates that disruption of this splice site induces altered splicing and may result in an absent or altered protein product. This variant is not present in population databases (gnomAD no frequency). Disruption of this splice site has been observed in individuals with Stickler syndrome (PMID: 10706362, 27408751). It has also been observed to segregate with disease in related individuals. This variant is also known as intron 25+1G>A. ClinVar contains an entry for this variant (Variation ID: 866602). Studies have shown that disruption of this splice site results in altered mRNA splicing, and produces a non-functional protein and/or introduces a premature termination codon (PMID: 10706362). For these reasons, this variant has been classified as Pathogenic.

Blueprint Genetics
Classification: Pathogenic for COL2A1-related disorders. Last evaluated: 2023-12-27. Review status: criteria provided, single submitter. Criteria: ACMG Guidelines, 2015. Collection method: clinical testing. Allele origin: germline. Affected: yes. Observed: 4 variant alleles.

GeneDx
Classification: Pathogenic. Last evaluated: 2022-06-08. Review status: criteria provided, single submitter. Criteria: GeneDx Variant Classification Process June 2021. Collection method: clinical testing. Allele origin: germline. Affected: yes.
Comment: Also known as IVS25+1 G>A; Not observed at significant frequency in large population cohorts (gnomAD); In-vitro assays shows that this splicing variant leads to defective splicing and a truncated COL2A1 protein product. (Freddi et al., 2000); Loss-of-function variants in the COL2A1 gene are an established mechanism of disease (Jovanovic et al., 2021); This variant is associated with the following publications: (PMID: 25525159, 10706362, 20513134, 26747767, 20179744, 27193475, 33352548, 30181686, 27408751)

MGZ Medical Genetics Center
Classification: Pathogenic for Stickler syndrome type 1. Last evaluated: 2022-03-07. Review status: criteria provided, single submitter. Criteria: ACMG Guidelines, 2015. Collection method: clinical testing. Allele origin: germline. Affected: yes. Observed: 1 variant allele.
Comment: ACMG criteria applied: PVS1, PP1_STR, PS3_MOD, PS4_MOD, PM2_SUP

Literature cited by the submitters: PubMed 10706362 (cited by Labcorp Genetics (formerly Invitae), Labcorp); PubMed 27408751 (cited by Labcorp Genetics (formerly Invitae), Labcorp).